The following is an entry in ClinVar:

NM_001999.4(FBN2):c.115C>G (p.Arg39Gly)

Gene: FBN2 (fibrillin 2; minus strand). Cytogenetic location: 5q23.3.
Variant type: single nucleotide variant.
Coding change: c.115C>G on transcript NM_001999.4 (MANE Select); coding-DNA position 115, C replaced by G.
Protein change: p.Arg39Gly; replaces arginine 39 with glycine.
Molecular consequence: missense variant.
Genome position (GRCh38, 1-based): chr5:128,537,489, G>C on the plus strand (C>G on the coding strand, the complement: FBN2 is on the minus strand). VCF-style: chr5-128537489-G-C. GRCh37 (hg19) VCF-style: chr5-127873182-G-C.
Other names: short protein forms R39G.
Identifiers: ClinVar variation 424261 (VCV000424261.9), dbSNP rs763202121, ClinGen allele CA16618113.
Genomic context (GRCh38, chr5:128,537,489, plus strand): 5'-GAAACCCGCCTTCAGAGCCTGCTGTAGCGGACCGAACCTGTTGCGGCGGCGGCTGGGGCC[G>C]GGGCGGCTTGGGCGGAGGAGGCTGAGGCTGGCCGGCCGTGCCCTGCGCCCAGAGCACCAC-3'
Protein context (NP_001990.2, residues 29-49): QPQPPPPKPP[Arg39Gly]PQPPPQQVRS

ClinVar aggregate classification (germline): Conflicting classifications of pathogenicity. Review status: criteria provided, conflicting classifications (1 of 4 stars). 2 submissions from 2 submitters: Uncertain significance (1); Likely benign (1). Last evaluated 2025-06-09.

Conditions:
Congenital contractural arachnodactyly (CCA). Also called: Arthrogryposis, distal, type 9; BEALS SYNDROME; Beals-Hecht syndrome. Identifiers: Orphanet 115, MedGen C0220668, MONDO:0007363, OMIM 121050.

Allele frequency attached by ClinVar (database versions not stated): gnomAD 0.00001; TOPMed 0.00002.
gnomAD v4.1: 20 of 1,587,782 alleles (0.0013%); highest among the groups gnomAD compares: Non-Finnish European, 0.0017%; no homozygotes.

Submissions (2):

Labcorp Genetics (formerly Invitae), Labcorp
Classification: Likely benign for Congenital contractural arachnodactyly. Last evaluated: 2025-06-09. Review status: criteria provided, single submitter. Criteria: Invitae Variant Classification Sherloc (09022015). Collection method: clinical testing. Allele origin: germline.

GeneDx
Classification: Uncertain significance. Last evaluated: 2023-10-02. Review status: criteria provided, single submitter. Criteria: GeneDx Variant Classification Process June 2021. Collection method: clinical testing. Allele origin: germline. Affected: yes.
Comment: Has not been previously published as pathogenic or benign to our knowledge; In silico analysis supports that this missense variant does not alter protein structure/function; Not observed at significant frequency in large population cohorts (gnomAD)